The following is an entry in ClinVar:

ClinVar aggregate classification (germline): Likely pathogenic (1 of 4 stars; one submission).

Submission:

Labcorp Genetics (formerly Invitae), Labcorp
Classification: Likely pathogenic. Last evaluated: 2021-12-14. Review status: criteria provided, single submitter. Criteria: Invitae Variant Classification Sherloc (09022015). Collection method: clinical testing. Allele origin: germline.
Comment: In summary, the currently available evidence indicates that the variant is pathogenic, but additional data are needed to prove that conclusively. Therefore, this variant has been classified as Likely Pathogenic. Algorithms developed to predict the effect of sequence changes on RNA splicing suggest that this variant may disrupt the consensus splice site. This variant has not been reported in the literature in individuals affected with EIF2AK3-related conditions. This variant is not present in population databases (gnomAD no frequency). This sequence change affects a donor splice site in intron 2 of the EIF2AK3 gene. It is expected to disrupt RNA splicing. Variants that disrupt the donor or acceptor splice site typically lead to a loss of protein function (PMID: 16199547), and loss-of-function variants in EIF2AK3 are known to be pathogenic (PMID: 11997520).

Literature cited by the submitters: PubMed 16199547; PubMed 11997520.

NM_004836.7(EIF2AK3):c.438+1G>T

Gene: EIF2AK3 (eukaryotic translation initiation factor 2 alpha kinase 3; minus strand). Cytogenetic location: 2p11.2.
Variant type: single nucleotide variant.
Coding change: c.438+1G>T on transcript NM_004836.7 (MANE Select); the canonical splice donor site of the intron after coding-DNA position 438, G replaced by T.
Molecular consequence: splice donor variant.
Genome position (GRCh38, 1-based): chr2:88,613,723, C>A on the plus strand (G>T on the coding strand, the complement: EIF2AK3 is on the minus strand). VCF-style: chr2-88613723-C-A. GRCh37 (hg19) VCF-style: chr2-88913241-C-A.
Other names: c.-16+1G>T (NM_001313915.2).
Identifiers: ClinVar variation 2042936 (VCV002042936.4), dbSNP rs2529217307, ClinGen allele CA347762240.